The following is an entry in ClinVar:

NM_000038.6(APC):c.5194A>T (p.Met1732Leu)

Gene: APC (APC regulator of Wnt signaling pathway; plus strand). Cytogenetic location: 5q22.2.
Variant type: single nucleotide variant.
Coding change: c.5194A>T on transcript NM_000038.6 (MANE Select); coding-DNA position 5194, A replaced by T.
Protein change: p.Met1732Leu; replaces methionine 1732 with leucine.
Molecular consequence: missense variant.
Genome position (GRCh38, 1-based): chr5:112,840,788, A>T. VCF-style: chr5-112840788-A-T. GRCh37 (hg19) VCF-style: chr5-112176485-A-T.
Other names: c.5194A>T, p.Met1732Leu (NM_001127510.3, NM_001354895.2); c.5140A>T, p.Met1714Leu (NM_001127511.3); c.5248A>T, p.Met1750Leu (NM_001354896.2); c.5224A>T, p.Met1742Leu (NM_001354897.2); c.5119A>T, p.Met1707Leu (NM_001354898.2); c.5110A>T, p.Met1704Leu (NM_001354899.2); c.5071A>T, p.Met1691Leu (NM_001354900.2); c.5017A>T, p.Met1673Leu (NM_001354901.2); and 5 more; short protein forms M1732L, M1714L, M1572L, M1673L, M1691L, M1707L, M1742L, M1641L.
Identifiers: ClinVar variation 627841 (VCV000627841.18), dbSNP rs752065261, ClinGen allele CA16032682.

ClinVar aggregate classification (germline): Uncertain significance. Review status: criteria provided, multiple submitters, no conflicts (2 of 4 stars). 5 submissions from 5 submitters: Uncertain significance (5). Last evaluated 2024-03-06.

Conditions:
Familial adenomatous polyposis 1 (FAP1). Also called: FAMILIAL ADENOMATOUS POLYPOSIS 1, ATTENUATED; POLYPOSIS, ADENOMATOUS INTESTINAL. Identifiers: MedGen C2713442, MONDO:0021056, OMIM 175100. Disease mechanism: loss of function.
Classic or attenuated familial adenomatous polyposis. Identifiers: MedGen CN372698, MONDO:0021057.
Hereditary cancer-predisposing syndrome. Also called: Tumor predisposition; Hereditary Cancer Syndrome; Neoplastic Syndromes, Hereditary; Hereditary neoplastic syndrome. Identifiers: Orphanet 140162, MedGen C0027672, MeSH D009386, MONDO:0015356.

Submissions (5):

Color Diagnostics, LLC DBA Color Health
Classification: Uncertain significance for Hereditary cancer-predisposing syndrome. Last evaluated: 2024-03-06. Review status: criteria provided, single submitter. Criteria: ACMG Guidelines, 2015. Collection method: clinical testing. Allele origin: germline.
Comment: This missense variant replaces methionine with leucine at codon 1732 of the APC protein. Computational prediction suggests that this variant may not impact protein structure and function (internally defined REVEL score threshold <= 0.5, PMID: 27666373). To our knowledge, functional studies have not been reported for this variant. This variant has not been reported in individuals affected with hereditary cancer in the literature. This variant has not been identified in the general population by the Genome Aggregation Database (gnomAD). The available evidence is insufficient to determine the role of this variant in disease conclusively. Therefore, this variant is classified as a Variant of Uncertain Significance.

Baylor Genetics
Classification: Uncertain significance for Familial adenomatous polyposis 1. Last evaluated: 2024-02-21. Review status: criteria provided, single submitter. Criteria: ACMG Guidelines, 2015. Collection method: clinical testing. Allele origin: unknown.

Ambry Genetics
Classification: Uncertain significance for Hereditary cancer-predisposing syndrome. Last evaluated: 2023-11-30. Review status: criteria provided, single submitter. Criteria: Ambry Variant Classification Scheme 2023. Collection method: clinical testing. Allele origin: germline.
Comment: The p.M1732L variant (also known as c.5194A>T), located in coding exon 15 of the APC gene, results from an A to T substitution at nucleotide position 5194. The methionine at codon 1732 is replaced by leucine, an amino acid with highly similar properties. This amino acid position is highly conserved in available vertebrate species. In addition, in silico predictors for this gene do not accurately predict pathogenicity. Since supporting evidence is limited at this time, the clinical significance of this alteration remains unclear.

All of Us Research Program, National Institutes of Health
Classification: Uncertain significance for Classic or attenuated familial adenomatous polyposis. Last evaluated: 2023-03-23. Review status: criteria provided, single submitter. Criteria: ACMG Guidelines, 2015. Collection method: clinical testing. Allele origin: germline. Inheritance: Autosomal dominant inheritance. Observed: 1 variant allele, 1 heterozygote.
Comment: This missense variant replaces methionine with leucine at codon 1732 of the APC protein. Computational prediction suggests that this variant may not impact protein structure and function (internally defined REVEL score threshold <= 0.5, PMID: 27666373). To our knowledge, functional studies have not been reported for this variant. This variant has not been reported in individuals affected with hereditary cancer in the literature. This variant has not been identified in the general population by the Genome Aggregation Database (gnomAD). The available evidence is insufficient to determine the role of this variant in disease conclusively. Therefore, this variant is classified as a Variant of Uncertain Significance.

This study involves interpretation of variants in research participants for the purpose of population health screening. Participant phenotype was not available at the time of variant classification. Additional details can be found in publication PMID: 35346344, PMCID: PMC8962531

Labcorp Genetics (formerly Invitae), Labcorp
Classification: Uncertain significance for Familial adenomatous polyposis 1. Last evaluated: 2022-12-29. Review status: criteria provided, single submitter. Criteria: Invitae Variant Classification Sherloc (09022015). Collection method: clinical testing. Allele origin: germline.
Comment: In summary, the available evidence is currently insufficient to determine the role of this variant in disease. Therefore, it has been classified as a Variant of Uncertain Significance. Advanced modeling of protein sequence and biophysical properties (such as structural, functional, and spatial information, amino acid conservation, physicochemical variation, residue mobility, and thermodynamic stability) performed at Invitae indicates that this missense variant is not expected to disrupt APC protein function. ClinVar contains an entry for this variant (Variation ID: 627841). This variant has not been reported in the literature in individuals affected with APC-related conditions. This variant is not present in population databases (gnomAD no frequency). This sequence change replaces methionine, which is neutral and non-polar, with leucine, which is neutral and non-polar, at codon 1732 of the APC protein (p.Met1732Leu).